The following is an entry in ClinVar:

ClinVar aggregate classification (germline): Uncertain significance (1 of 4 stars; one submission).

gnomAD v4.1: 4 of 1,097,182 alleles (0.00036%); highest among the groups gnomAD compares: South Asian, 0.0019%; no homozygotes.

Submission:

Women's Health and Genetics/Laboratory Corporation of America, LabCorp
Classification: Uncertain significance. Last evaluated: 2026-04-29. Review status: criteria provided, single submitter. Criteria: LabCorp Variant Classification Summary - May 2015. Collection method: clinical testing. Allele origin: germline.
Comment: Variant summary: TAF4 c.703G>A (p.Gly235Ser) results in a non-conservative amino acid change in the encoded protein sequence. Algorithms developed to predict the effect of missense changes on protein structure and function are either unavailable or do not agree on the potential impact of this missense change. The variant allele was found at a frequency of 1.6e-05 in 62506 control chromosomes. The available data on variant occurrences in the general population are insufficient to allow any conclusion about variant significance. To our knowledge, no occurrence of c.703G>A in individuals affected with TAF4-related conditions and no experimental evidence demonstrating its impact on protein function have been reported. No submitters have cited clinical-significance assessments for this variant to ClinVar. Based on the evidence outlined above, the variant was classified as uncertain significance.

NM_003185.4(TAF4):c.703G>A (p.Gly235Ser)

Gene: TAF4 (TATA-box binding protein associated factor 4; minus strand). Cytogenetic location: 20q13.33.
Variant type: single nucleotide variant.
Coding change: c.703G>A on transcript NM_003185.4 (MANE Select); coding-DNA position 703, G replaced by A.
Protein change: p.Gly235Ser; replaces glycine 235 with serine.
Molecular consequence: missense variant.
Genome position (GRCh38, 1-based): chr20:62,065,108, C>T on the plus strand (G>A on the coding strand, the complement: TAF4 is on the minus strand). VCF-style: chr20-62065108-C-T. GRCh37 (hg19) VCF-style: chr20-60640164-C-T.
Other names: short protein forms G235S.
Identifiers: ClinVar variation 4849085 (VCV004849085.1).